The following is an entry in ClinVar:

NM_014637.4(MTFR1):c.244G>T (p.Val82Leu)

Gene: MTFR1 (mitochondrial fission regulator 1; plus strand). Cytogenetic location: 8q13.1.
Variant type: single nucleotide variant.
Coding change: c.244G>T on transcript NM_014637.4 (MANE Select); coding-DNA position 244, G replaced by T.
Protein change: p.Val82Leu; replaces valine 82 with leucine.
Molecular consequence: missense variant.
Genome position (GRCh38, 1-based): chr8:65,693,722, G>T. VCF-style: chr8-65693722-G-T. GRCh37 (hg19) VCF-style: chr8-66605957-G-T.
Other names: c.244G>T, p.Val82Leu (NM_001413075.1, NM_001413076.1, NM_001413077.1 and 12 more transcripts); c.205G>T, p.Val69Leu (NM_001413079.1); c.145G>T, p.Val49Leu (NM_001145838.2); short protein forms V82L, V49L, V69L.
Identifiers: ClinVar variation 91981 (VCV000091981.2), dbSNP rs386352331, ClinGen allele CA232289.

ClinVar aggregate classification (germline): Uncertain significance (0 of 4 stars; one submission).

Allele frequency attached by ClinVar (database versions not stated): TOPMed below 0.00001; gnomAD 0.00006.

Submission:

Richard Lifton Laboratory, Yale University School of Medicine
Classification: Uncertain significance. Review status: no assertion criteria provided. Collection method: not provided. Allele origin: somatic.
Comment: MTFR1
ClinVar note: Converted during submission from unknown to Uncertain significance.